The following is an entry in ClinVar:

ClinVar aggregate classification (germline): Uncertain significance. Review status: criteria provided, multiple submitters, no conflicts (2 of 4 stars). 2 submissions from 2 submitters: Uncertain significance (2). Last evaluated 2023-04-25.

Conditions:
Inborn genetic diseases. Identifiers: MedGen C0950123, MeSH D030342.

gnomAD v4.1: 7 of 1,614,032 alleles (0.00043%); highest among the groups gnomAD compares: South Asian, 0.0077%; no homozygotes.

Submissions (2):

Ambry Genetics
Classification: Uncertain significance for Inborn genetic diseases. Last evaluated: 2023-04-25. Review status: criteria provided, single submitter. Criteria: Ambry Variant Classification Scheme 2023. Collection method: clinical testing. Allele origin: germline.

GeneDx
Classification: Uncertain significance. Last evaluated: 2020-01-14. Review status: criteria provided, single submitter. Criteria: GeneDx Variant Classification Process June 2021. Collection method: clinical testing. Allele origin: germline. Affected: yes.
Comment: In silico analysis, which includes protein predictors and evolutionary conservation, supports that this variant does not alter protein structure/function; Has not been previously published as pathogenic or benign to our knowledge

NM_014141.6(CNTNAP2):c.1814T>G (p.Leu605Arg)

Gene: CNTNAP2 (contactin associated protein 2; plus strand). Cytogenetic location: 7q35.
Variant type: single nucleotide variant.
Coding change: c.1814T>G on transcript NM_014141.6 (MANE Select); coding-DNA position 1814, T replaced by G.
Protein change: p.Leu605Arg; replaces leucine 605 with arginine.
Molecular consequence: missense variant.
Genome position (GRCh38, 1-based): chr7:147,562,174, T>G. VCF-style: chr7-147562174-T-G. GRCh37 (hg19) VCF-style: chr7-147259266-T-G.
Other names: p.L605R:CTA>CGA; short protein forms L605R.
Identifiers: ClinVar variation 205249 (VCV000205249.5), dbSNP rs763561962, ClinGen allele CA314132.